The following is an entry in ClinVar:

NM_000417.3(IL2RA):c.584-109C>T

Gene: IL2RA (interleukin 2 receptor subunit alpha; minus strand). Cytogenetic location: 10p15.1.
Variant type: single nucleotide variant.
Coding change: c.584-109C>T on transcript NM_000417.3 (MANE Select); 109 bases into the intron before coding-DNA position 584, C replaced by T.
Molecular consequence: intron variant.
Genome position (GRCh38, 1-based): chr10:6,020,050, G>A on the plus strand (C>T on the coding strand, the complement: IL2RA is on the minus strand). VCF-style: chr10-6020050-G-A. GRCh37 (hg19) VCF-style: chr10-6062013-G-A.
Other names: c.368-551C>T (NM_001308243.2); c.368-109C>T (NM_001308242.2).
Identifiers: ClinVar variation 2688508 (VCV002688508.2), dbSNP rs2274036, ClinGen allele CA202292840.

ClinVar aggregate classification (germline): Benign (1 of 4 stars; one submission).

Allele frequency attached by ClinVar (database versions not stated): gnomAD exomes 0.01832; TOPMed 0.02014; gnomAD 0.02125; 1000 Genomes Project 30x 0.04997; 1000 Genomes Project 0.05172.
gnomAD v4.1: 16,696 of 887,862 alleles (1.9%); highest among the groups gnomAD compares: East Asian, 15%; 893 homozygotes.

Submission:

Unidad de Genómica Garrahan, Hospital de Pediatría Garrahan
Classification: Benign. Last evaluated: 2024-01-24. Review status: criteria provided, single submitter. Criteria: ACMG Guidelines, 2015. Collection method: clinical testing. Allele origin: germline. Affected: no. Observed: 18 variant alleles.
Comment: This variant is classified as Benign based on local population frequency. This variant was detected in 20% of patients studied by a panel of primary immunodeficiencies. Number of patients: 18. Only high quality variants are reported.